The following is an entry in ClinVar:

NM_001372.4(DNAH9):c.308T>G (p.Phe103Cys)

Gene: DNAH9 (dynein axonemal heavy chain 9; plus strand). Cytogenetic location: 17p12.
Variant type: single nucleotide variant.
Coding change: c.308T>G on transcript NM_001372.4 (MANE Select); coding-DNA position 308, T replaced by G.
Protein change: p.Phe103Cys; replaces phenylalanine 103 with cysteine.
Molecular consequence: missense variant.
Genome position (GRCh38, 1-based): chr17:11,598,806, T>G. VCF-style: chr17-11598806-T-G. GRCh37 (hg19) VCF-style: chr17-11502123-T-G.
Other names: c.308T>G (NM_001372.3); short protein forms F103C.
Identifiers: ClinVar variation 1624559 (VCV001624559.11), dbSNP rs373784591, ClinGen allele CA8394480.

ClinVar aggregate classification (germline): Likely benign. Review status: criteria provided, multiple submitters, no conflicts (2 of 4 stars). 3 submissions from 3 submitters: Likely benign (2). 1 of the submissions does not count toward it. Last evaluated 2025-12-24.

Conditions:
DNAH9-related disorder. Also called: DNAH9-related condition.

Allele frequency attached by ClinVar (database versions not stated): ESP Exome Variant Server 0.00054; 1000 Genomes Project 0.00240; 1000 Genomes Project 30x 0.00265.
gnomAD v4.1: 833 of 1,480,534 alleles (0.056%); highest among the groups gnomAD compares: African/African-American, 0.75%; 4 homozygotes.

Submissions (3):

Labcorp Genetics (formerly Invitae), Labcorp
Classification: Likely benign. Last evaluated: 2025-12-24. Review status: criteria provided, single submitter. Criteria: Invitae Variant Classification Sherloc (09022015). Collection method: clinical testing. Allele origin: germline.

Blueprint Genetics
Classification: Likely benign. Last evaluated: 2024-11-25. Review status: criteria provided, single submitter. Criteria: ACMG Guidelines, 2015. Collection method: clinical testing. Allele origin: germline.

PreventionGenetics, part of Exact Sciences
Classification: Likely benign for DNAH9-related condition. Last evaluated: 2019-12-13. Review status: no assertion criteria provided. Collection method: clinical testing. Allele origin: germline. Not counted in ClinVar's aggregate classification.
Comment: This variant is classified as likely benign based on ACMG/AMP sequence variant interpretation guidelines (Richards et al. 2015 PMID: 25741868, with internal and published modifications).